The following is an entry in ClinVar:

ClinVar aggregate classification (germline): Pathogenic/Likely pathogenic. Review status: criteria provided, multiple submitters, no conflicts (2 of 4 stars). 3 submissions from 3 submitters: Pathogenic (2); Likely pathogenic (1). Last evaluated 2023-05-19.

Conditions:
Kabuki syndrome. Also called: NIIKAWA-KUROKI SYNDROME; Kabuki make-up syndrome. Identifiers: Orphanet 2322, MedGen C0796004, MONDO:0016512.
Kabuki syndrome 1 (KABUK1). Also called: KMT2D-Related Kabuki Syndrome. Identifiers: Orphanet 2322, MedGen CN030661, MONDO:0007843, OMIM 147920.

Submissions (3):

GeneDx
Classification: Pathogenic. Last evaluated: 2023-05-19. Review status: criteria provided, single submitter. Criteria: GeneDx Variant Classification Process June 2021. Collection method: clinical testing. Allele origin: germline. Affected: yes.
Comment: In-frame insertion of two amino acids in a non-repeat region; Not observed at significant frequency in large population cohorts (gnomAD); This variant is associated with the following publications: (PMID: 21658225, 30107592, 33619735, 28884922, 23913813)

Labcorp Genetics (formerly Invitae), Labcorp
Classification: Pathogenic for Kabuki syndrome. Last evaluated: 2022-06-08. Review status: criteria provided, single submitter. Criteria: Invitae Variant Classification Sherloc (09022015). Collection method: clinical testing. Allele origin: germline.
Comment: For these reasons, this variant has been classified as Pathogenic. Algorithms developed to predict the effect of sequence changes on RNA splicing suggest that this variant may create or strengthen a splice site. This variant has been observed in individual(s) with Kabuki syndrome (PMID: 21658225, 23913813, 28884922, 33619735). In at least one individual the variant was observed to be de novo. This variant is not present in population databases (gnomAD no frequency). This variant, c.15163_15168dup, results in the insertion of 2 amino acid(s) of the KMT2D protein (p.Asp5055_Leu5056dup), but otherwise preserves the integrity of the reading frame.

Institute of Human Genetics Munich, TUM University Hospital
Classification: Likely pathogenic for Kabuki syndrome 1. Last evaluated: 2019-02-22. Review status: criteria provided, single submitter. Criteria: Classification criteria August 2017. Collection method: clinical testing. Allele origin: de novo. Inheritance: Autosomal dominant inheritance. Affected: yes. Observed: 1 heterozygote.

Literature cited by the submitters: PubMed 21658225 (cited by Labcorp Genetics (formerly Invitae), Labcorp); PubMed 23913813 (cited by Labcorp Genetics (formerly Invitae), Labcorp); PubMed 28884922 (cited by Labcorp Genetics (formerly Invitae), Labcorp); PubMed 33619735 (cited by Labcorp Genetics (formerly Invitae), Labcorp).

NM_003482.4(KMT2D):c.15157GACCTG[3] (p.5053DL[3])

Gene: KMT2D (lysine methyltransferase 2D; minus strand). Cytogenetic location: 12q13.12.
Variant type: Microsatellite.
Coding change: c.15157GACCTG[3] on transcript NM_003482.4 (MANE Select); three copies in a row of the 6-base unit GACCTG starting at c.15157; the reference has two copies in a row; one copy, 6 bases duplicated; also written c.15163_15168dup.
Protein change: p.5053DL[3].
Molecular consequence: inframe insertion.
Genome position (GRCh38, 1-based): chr12:49,026,798-49,026,803, CAGGTC duplicated on the plus strand (GACCTG on the coding strand, the reverse complement: KMT2D is on the minus strand); duplicating any 6 consecutive bases within chr12:49,026,798-49,026,814 gives the same sequence; the position shown is the placement nearest the transcript's 3' end. VCF-style (leftmost placement, unchanged base first): chr12-49026797-A-ACAGGTC. GRCh37 (hg19) VCF-style: chr12-49420580-A-ACAGGTC.
Other names: c.15163_15168dup (NM_003482.3).
Identifiers: ClinVar variation 807441 (VCV000807441.8), dbSNP rs398123725, ClinGen allele CA915948267.